The following is an entry in ClinVar:

NM_005247.4(FGF3):c.346G>A (p.Glu116Lys)

Gene: FGF3 (fibroblast growth factor 3; minus strand). Cytogenetic location: 11q13.3.
Variant type: single nucleotide variant.
Coding change: c.346G>A on transcript NM_005247.4 (MANE Select); coding-DNA position 346, G replaced by A.
Protein change: p.Glu116Lys; replaces glutamic acid 116 with lysine.
Molecular consequence: missense variant.
Genome position (GRCh38, 1-based): chr11:69,810,679, C>T on the plus strand (G>A on the coding strand, the complement: FGF3 is on the minus strand). VCF-style: chr11-69810679-C-T. GRCh37 (hg19) VCF-style: chr11-69625447-C-T.
Other names: short protein forms E116K.
Identifiers: ClinVar variation 3377840 (VCV003377840.1), dbSNP rs79472069.

ClinVar aggregate classification (germline): Uncertain significance (1 of 4 stars; one submission).

gnomAD v4.1: 12 of 1,590,692 alleles (0.00075%); highest among the groups gnomAD compares: Admixed American, 0.0085%; no homozygotes.

Submission:

GeneDx
Classification: Uncertain significance. Last evaluated: 2024-05-17. Review status: criteria provided, single submitter. Criteria: GeneDx Variant Classification Process June 2021. Collection method: clinical testing. Allele origin: germline. Affected: yes.
Comment: In silico analysis indicates that this missense variant does not alter protein structure/function; Has not been previously published as pathogenic or benign to our knowledge